The following is an entry in ClinVar:

NM_015046.7(SETX):c.7534C>T (p.Pro2512Ser)

Gene: SETX (senataxin; minus strand). Cytogenetic location: 9q34.13.
Variant type: single nucleotide variant.
Coding change: c.7534C>T on transcript NM_015046.7 (MANE Select); coding-DNA position 7534, C replaced by T.
Protein change: p.Pro2512Ser; replaces proline 2512 with serine.
Molecular consequence: missense variant.
Genome position (GRCh38, 1-based): chr9:132,264,739, G>A on the plus strand (C>T on the coding strand, the complement: SETX is on the minus strand). VCF-style: chr9-132264739-G-A. GRCh37 (hg19) VCF-style: chr9-135140126-G-A.
Other names: c.7534C>T, p.Pro2512Ser (NM_001351527.2); c.7621C>T, p.Pro2541Ser (NM_001351528.2); short protein forms P2512S, P2541S.
Identifiers: ClinVar variation 568527 (VCV000568527.9), dbSNP rs557347174, ClinGen allele CA375324896.

ClinVar aggregate classification (germline): Uncertain significance (1 of 4 stars; one submission).

Conditions:
Amyotrophic lateral sclerosis type 4 (ALS4). Also called: AMYOTROPHIC LATERAL SCLEROSIS 4, JUVENILE; NEURONOPATHY, DISTAL HEREDITARY MOTOR, WITH PYRAMIDAL FEATURES. Identifiers: Orphanet 357043, MedGen C1865409, MONDO:0011223, OMIM 602433.
Spinocerebellar ataxia, autosomal recessive, with axonal neuropathy 2 (SCAN2). Also called: ATAXIA-OCULOMOTOR APRAXIA 2; Ataxia-ocular apraxia-2; Ataxia with Oculomotor Apraxia; Ataxia with Oculomotor Apraxia Type 2. Identifiers: Orphanet 64753, MedGen C1853761, MONDO:0018996, OMIM 606002.

Allele frequency attached by ClinVar (database versions not stated): TOPMed 0.00001.
gnomAD v4.1: 2 of 1,614,100 alleles (0.00012%); highest among the groups gnomAD compares: Non-Finnish European, 0.00017%; no homozygotes.

Submission:

Labcorp Genetics (formerly Invitae), Labcorp
Classification: Uncertain significance for Amyotrophic lateral sclerosis type 4; Spinocerebellar ataxia, autosomal recessive, with axonal neuropathy 2. Last evaluated: 2017-08-14. Review status: criteria provided, single submitter. Criteria: Invitae Variant Classification Sherloc (09022015). Collection method: clinical testing. Allele origin: germline.
Comment: This sequence change replaces proline with serine at codon 2512 of the SETX protein (p.Pro2512Ser). The proline residue is weakly conserved and there is a moderate physicochemical difference between proline and serine. In summary, the available evidence is currently insufficient to determine the role of this variant in disease. Therefore, it has been classified as a Variant of Uncertain Significance. Algorithms developed to predict the effect of missense changes on protein structure and function output the following: SIFT: "Tolerated"; PolyPhen-2: "Benign"; Align-GVGD: "Class C0". The serine amino acid residue is found in multiple mammalian species, suggesting that this missense change does not adversely affect protein function. These predictions have not been confirmed by published functional studies and their clinical significance is uncertain. This variant has not been reported in the literature in individuals with SETX-related disease. This variant is not present in population databases (ExAC no frequency).